The following is an entry in ClinVar:

NM_031935.3(HMCN1):c.3946A>G (p.Ile1316Val)

Gene: HMCN1 (hemicentin 1; plus strand). Cytogenetic location: 1q31.1.
Variant type: single nucleotide variant.
Coding change: c.3946A>G on transcript NM_031935.3 (MANE Select); coding-DNA position 3946, A replaced by G.
Protein change: p.Ile1316Val; replaces isoleucine 1316 with valine.
Molecular consequence: missense variant.
Genome position (GRCh38, 1-based): chr1:186,000,116, A>G. VCF-style: chr1-186000116-A-G. GRCh37 (hg19) VCF-style: chr1-185969248-A-G.
Other names: short protein forms I1316V.
Identifiers: ClinVar variation 3645558 (VCV003645558.2).
Genomic context (GRCh38, chr1:186,000,116, plus strand): 5'-CCAACCATCAAATGGTTACACAATGGTAGAGAGTTGACAGGCAGAGAGCCTGGCATTTCT[A>G]TCTTGGAAGATGGCACATTGCTGGTTATTGCTTCTGTTACACCCTATGACAATGGGGAGT-3'
Protein context (NP_114141.2, residues 1306-1326): ELTGREPGIS[Ile1316Val]LEDGTLLVIA

ClinVar aggregate classification (germline): Uncertain significance (1 of 4 stars; one submission).

gnomAD v4.1: 8 of 1,613,028 alleles (0.0005%); highest among the groups gnomAD compares: African/African-American, 0.0053%; no homozygotes.

Submission:

Labcorp Genetics (formerly Invitae), Labcorp
Classification: Uncertain significance. Last evaluated: 2025-06-23. Review status: criteria provided, single submitter. Criteria: Invitae Variant Classification Sherloc (09022015). Collection method: clinical testing. Allele origin: germline.
Comment: This sequence change replaces isoleucine, which is neutral and non-polar, with valine, which is neutral and non-polar, at codon 1316 of the HMCN1 protein (p.Ile1316Val). This variant is present in population databases (no rsID available, gnomAD 0.004%). This variant has not been reported in the literature in individuals affected with HMCN1-related conditions. ClinVar contains an entry for this variant (Variation ID: 3645558). An algorithm developed to predict the effect of missense changes on protein structure and function outputs the following: PolyPhen-2: "Benign". The valine amino acid residue is found in multiple mammalian species, which suggests that this missense change does not adversely affect protein function. In summary, the available evidence is currently insufficient to determine the role of this variant in disease. Therefore, it has been classified as a Variant of Uncertain Significance.